The following is an entry in ClinVar:

ClinVar aggregate classification (germline): Likely pathogenic (1 of 4 stars; one submission).

Conditions:
Neuronal ceroid lipofuscinosis 1 (CLN1). Also called: PPT1-Related Neuronal Ceroid-Lipofuscinosis; CEROID LIPOFUSCINOSIS, NEURONAL, 1, VARIABLE AGE AT ONSET. Identifiers: Orphanet 228329, MedGen C1850451, MONDO:0009744, OMIM 256730.

Submission:

Labcorp Genetics (formerly Invitae), Labcorp
Classification: Likely pathogenic for Neuronal ceroid lipofuscinosis 1. Last evaluated: 2023-04-25. Review status: criteria provided, single submitter. Criteria: Invitae Variant Classification Sherloc (09022015). Collection method: clinical testing. Allele origin: germline.
Comment: This variant has not been reported in the literature in individuals affected with PPT1-related conditions. Algorithms developed to predict the effect of sequence changes on RNA splicing suggest that this variant may disrupt the consensus splice site. In summary, the currently available evidence indicates that the variant is pathogenic, but additional data are needed to prove that conclusively. Therefore, this variant has been classified as Likely Pathogenic. This variant is not present in population databases (gnomAD no frequency). This variant results in the deletion of part of exon 7 (c.628-2_642del) of the PPT1 gene. It is expected to disrupt RNA splicing. Variants that disrupt the donor or acceptor splice site typically lead to a loss of protein function (PMID: 16199547), and loss-of-function variants in PPT1 are known to be pathogenic (PMID: 10679943, 21990111).

Literature cited by the submitters: PubMed 16199547; PubMed 10679943; PubMed 21990111.

NM_000310.4(PPT1):c.628-2_642del

Gene: PPT1 (palmitoyl-protein thioesterase 1; minus strand). Cytogenetic location: 1p34.2.
Variant type: Deletion.
Coding change: c.628-2_642del on transcript NM_000310.4 (MANE Select); the canonical splice acceptor site of the intron before coding-DNA position 628 through coding-DNA position 642, 17 bases deleted (AGGGTATCAATGAGTCC).
Molecular consequence: splice acceptor variant.
Genome position (GRCh38, 1-based): chr1:40,078,644-40,078,660, GGACTCATTGATACCCT deleted on the plus strand (AGGGTATCAATGAGTCC on the coding strand, the reverse complement: PPT1 is on the minus strand); deleting any 17 consecutive bases within chr1:40,078,644-40,078,661 gives the same sequence; the c. name uses the placement nearest the transcript's 3' end. VCF-style (leftmost placement, unchanged base first): chr1-40078643-AGGACTCATTGATACCCT-A. GRCh37 (hg19) VCF-style: chr1-40544315-AGGACTCATTGATACCCT-A.
Other names: c.319-2_333del (NM_001142604.2); c.628-2_642del (NM_001363695.2).
Identifiers: ClinVar variation 2846029 (VCV002846029.3), dbSNP rs2523635789, ClinGen allele CA2739272470.